The following is an entry in ClinVar:

ClinVar aggregate classification (germline): Benign/Likely benign. Review status: criteria provided, multiple submitters, no conflicts (2 of 4 stars). 4 submissions from 4 submitters: Benign (2); Likely benign (2). Last evaluated 2026-01-27.

Allele frequency attached by ClinVar (database versions not stated): 1000 Genomes Project 30x 0.01156; gnomAD 0.01160 and 0.01243; 1000 Genomes Project 0.01178; TOPMed 0.01303; ESP Exome Variant Server 0.01447.
gnomAD v4.1: 3,506 of 1,613,736 alleles (0.22%); highest among the groups gnomAD compares: African/African-American, 4%; 71 homozygotes.

Submissions (4):

Labcorp Genetics (formerly Invitae), Labcorp
Classification: Benign. Last evaluated: 2026-01-27. Review status: criteria provided, single submitter. Criteria: Invitae Variant Classification Sherloc (09022015). Collection method: clinical testing. Allele origin: germline.

Mayo Clinic Laboratories, Mayo Clinic
Classification: Benign. Last evaluated: 2023-04-20. Review status: criteria provided, single submitter. Criteria: ACMG Guidelines, 2015. Collection method: clinical testing. Allele origin: germline. Observed: 3 variant alleles.
Comment: BS1, BS2, BP4, BP7

GeneDx
Classification: Likely benign. Last evaluated: 2021-02-06. Review status: criteria provided, single submitter. Criteria: GeneDx Variant Classification Process June 2021. Collection method: clinical testing. Allele origin: germline. Affected: yes.

Breakthrough Genomics
Classification: Likely benign. Review status: criteria provided, single submitter. Criteria: ACMG Guidelines, 2015. Collection method: not provided. Allele origin: germline. Inheritance: Autosomal recessive inheritance. Affected: yes.

NM_014669.5(NUP93):c.789G>A (p.Glu263=)

Gene: NUP93 (nucleoporin 93; plus strand). Cytogenetic location: 16q13.
Variant type: single nucleotide variant.
Coding change: c.789G>A on transcript NM_014669.5 (MANE Select); coding-DNA position 789, G replaced by A.
Protein change: p.Glu263=; no amino-acid change (glutamic acid 263 retained).
Molecular consequence: synonymous variant.
Genome position (GRCh38, 1-based): chr16:56,823,841, G>A. VCF-style: chr16-56823841-G-A. GRCh37 (hg19) VCF-style: chr16-56857753-G-A.
Other names: p.Glu263=; c.420G>A, p.Glu140= (NM_001242795.2, NM_001242796.2).
Identifiers: ClinVar variation 710087 (VCV000710087.13), dbSNP rs8056371, ClinGen allele CA8068218.